The following is an entry in ClinVar:

ClinVar aggregate classification (germline): Uncertain significance. Review status: criteria provided, multiple submitters, no conflicts (2 of 4 stars). 2 submissions from 2 submitters: Uncertain significance (2). Last evaluated 2025-11-29.

Conditions:
Chuvash polycythemia. Also called: POLYCYTHEMIA, VHL-DEPENDENT. Identifiers: Orphanet 238557, MedGen C1837915, MONDO:0009892, OMIM 263400.
Von Hippel-Lindau syndrome (VHLS). Also called: VHL syndrome; von Hippel–Lindau syndrome; Von Hippel-Lindau. Identifiers: Orphanet 892, MedGen C0019562, MONDO:0008667, OMIM 193300. Disease mechanism: loss of function.

Submissions (2):

Labcorp Genetics (formerly Invitae), Labcorp
Classification: Uncertain significance for Von Hippel-Lindau syndrome; Chuvash polycythemia. Last evaluated: 2025-11-29. Review status: criteria provided, single submitter. Criteria: Invitae Variant Classification Sherloc (09022015). Collection method: clinical testing. Allele origin: germline.
Comment: This sequence change replaces glycine, which is neutral and non-polar, with arginine, which is basic and polar, at codon 127 of the VHL protein (p.Gly127Arg). This variant is not present in population databases (gnomAD no frequency). This variant has not been reported in the literature in individuals affected with VHL-related conditions. ClinVar contains an entry for this variant (Variation ID: 3572152). Invitae Evidence Modeling of protein sequence and biophysical properties (such as structural, functional, and spatial information, amino acid conservation, physicochemical variation, residue mobility, and thermodynamic stability) indicates that this missense variant is expected to disrupt VHL protein function with a positive predictive value of 95%. In summary, the available evidence is currently insufficient to determine the role of this variant in disease. Therefore, it has been classified as a Variant of Uncertain Significance.

Quest Diagnostics Nichols Institute San Juan Capistrano
Classification: Uncertain significance. Last evaluated: 2024-10-09. Review status: criteria provided, single submitter. Criteria: Quest Diagnostics criteria. Collection method: clinical testing. Allele origin: unknown.
Comment: The VHL c.379G>A (p.Gly127Arg) variant has not been reported in individuals with VHL-related conditions in the published literature. It also has not been reported in large, multi-ethnic general populations (Genome Aggregation Database). Analysis of this variant using bioinformatics tools for the prediction of the effect of amino acid changes on protein structure and function yielded conflicting predictions that this variant is benign or damaging. Based on the available information, we are unable to determine the clinical significance of this variant.

NM_000551.4(VHL):c.379G>A (p.Gly127Arg)

Genes: VHL (von Hippel-Lindau tumor suppressor; plus strand), LOC107303340 (3p25 von Hippel-Lindau tumor suppressor, E3 ubiquitin protein ligase Alu-mediated recombination region; plus strand). Cytogenetic location: 3p25.3.
Variant type: single nucleotide variant.
Coding change: c.379G>A on transcript NM_000551.4 (MANE Select); coding-DNA position 379, G replaced by A.
Protein change: p.Gly127Arg; replaces glycine 127 with arginine.
Molecular consequence: missense variant. On other transcripts: non-coding transcript variant (1), intron variant (2).
Genome position (GRCh38, 1-based): chr3:10,146,552, G>A. VCF-style: chr3-10146552-G-A. GRCh37 (hg19) VCF-style: chr3-10188236-G-A.
Other names: c.*18-3235G>A (NM_001354723.2); c.341-3235G>A (NM_198156.3); short protein forms G127R.
Identifiers: ClinVar variation 3572152 (VCV003572152.2).
Genomic context (GRCh38, chr3:10,146,552, plus strand): 5'-CAACCTTTGCTTGTCCCGATAGGTCACCTTTGGCTCTTCAGAGATGCAGGGACACACGAT[G>A]GGCTTCTGGTTAACCAAACTGAATTATTTGTGCCATCTCTCAATGTTGACGGACAGCCTA-3'
Protein context (NP_000542.1, residues 117-137): WLFRDAGTHD[Gly127Arg]LLVNQTELFV